The following is an entry in ClinVar:

ClinVar aggregate classification (germline): Benign/Likely benign. Review status: criteria provided, multiple submitters, no conflicts (2 of 4 stars). 4 submissions from 4 submitters: Benign (1); Likely benign (3). Last evaluated 2026-08-01.

Conditions:
Inborn genetic diseases. Identifiers: MedGen C0950123, MeSH D030342.

Allele frequency attached by ClinVar (database versions not stated): 1000 Genomes Project 30x 0.00156; 1000 Genomes Project 0.00160; gnomAD 0.00373; TOPMed 0.00405; ESP Exome Variant Server 0.00423.
gnomAD v4.1: 1,018 of 1,613,676 alleles (0.063%); highest among the groups gnomAD compares: African/African-American, 1.2%; 8 homozygotes.

Submissions (4):

CeGaT Center for Human Genetics Tuebingen
Classification: Likely benign. Last evaluated: 2026-08-01. Review status: criteria provided, single submitter. Criteria: CeGaT Center For Human Genetics Tuebingen Variant Classification Criteria Version 2. Collection method: clinical testing. Allele origin: germline. Affected: yes. Observed: 2 variant alleles.
Comment: CENPF: BP4, BS1

Labcorp Genetics (formerly Invitae), Labcorp
Classification: Benign. Last evaluated: 2025-10-21. Review status: criteria provided, single submitter. Criteria: Invitae Variant Classification Sherloc (09022015). Collection method: clinical testing. Allele origin: germline.

Blueprint Genetics
Classification: Likely benign. Last evaluated: 2024-10-18. Review status: criteria provided, single submitter. Criteria: ACMG Guidelines, 2015. Collection method: clinical testing. Allele origin: germline.

Ambry Genetics
Classification: Likely benign for Inborn genetic diseases. Last evaluated: 2023-12-18. Review status: criteria provided, single submitter. Criteria: Ambry Variant Classification Scheme 2023. Collection method: clinical testing. Allele origin: germline.

NM_016343.4(CENPF):c.3803C>G (p.Ala1268Gly)

Gene: CENPF (centromere protein F; plus strand). Cytogenetic location: 1q41.
Variant type: single nucleotide variant.
Coding change: c.3803C>G on transcript NM_016343.4 (MANE Select); coding-DNA position 3803, C replaced by G.
Protein change: p.Ala1268Gly; replaces alanine 1268 with glycine.
Molecular consequence: missense variant.
Genome position (GRCh38, 1-based): chr1:214,642,141, C>G. VCF-style: chr1-214642141-C-G. GRCh37 (hg19) VCF-style: chr1-214815484-C-G.
Other names: short protein forms A1268G.
Identifiers: ClinVar variation 787223 (VCV000787223.13), dbSNP rs116055478, ClinGen allele CA1390468.